The following is an entry in ClinVar:

Conditions:
Breast-ovarian cancer, familial, susceptibility to, 1 (BROVCA1). Also called: BRCA1 Hereditary Breast and Ovarian Cancer; OVARIAN CANCER, SUSCEPTIBILITY TO. Identifiers: Orphanet 145, MedGen C2676676, MONDO:0011450, OMIM 604370. Disease mechanism: loss of function.

Submission:

Brotman Baty Institute, University of Washington
No classification provided (evidence only). Condition: Breast-ovarian cancer, familial 1. Review status: no classification provided. Collection method: in vitro. Allele origin: not applicable. Functional consequence: functionally_normal.
ClinVar note: "not provided" was previously submitted as the classification for the variant. However, the classification appeared to be based only on an observation of functional data so it was converted to no classification on 2025-07-30.

NM_007294.4(BRCA1):c.136T>A (p.Phe46Ile)

Gene: BRCA1 (BRCA1 DNA repair associated; minus strand). Cytogenetic location: 17q21.31.
Variant type: single nucleotide variant.
Coding change: c.136T>A on transcript NM_007294.4 (MANE Select); coding-DNA position 136, T replaced by A.
Protein change: p.Phe46Ile; replaces phenylalanine 46 with isoleucine.
Molecular consequence: missense variant. On other transcripts: 5 prime UTR variant (1), non-coding transcript variant (1).
Genome position (GRCh38, 1-based): chr17:43,106,532, A>T on the plus strand (T>A on the coding strand, the complement: BRCA1 is on the minus strand). VCF-style: chr17-43106532-A-T. GRCh37 (hg19) VCF-style: chr17-41258549-A-T.
Other names: c.136T>A, p.Phe46Ile (NM_001407681.1, NM_001407682.1, NM_001407683.1 and 168 more transcripts); c.-6T>A (NM_001407692.1, NM_001407694.1, NM_001407695.1 and 99 more transcripts); c.-53T>A (NM_001407853.1, NM_001407879.1, NM_001407881.1 and 58 more transcripts); short protein forms F46I.
Identifiers: ClinVar variation 867876 (VCV000867876.3), dbSNP rs2054796556, ClinGen allele CA10601884.
Genomic context (GRCh38, chr17:43,106,532, plus strand): 5'-TCTTACATAAAGGACACTGTGAAGGCCCTTTCTTCTGGTTGAGAAGTTTCAGCATGCAAA[A>T]TCTATAAATTATAAAGAAAGAAAGAACAATTTAATTTACTTCCTTTTGTAGAAAGAATAC-3'
Protein context (NP_009225.1, residues 36-56): STKCDHIFCK[Phe46Ile]CMLKLLNQKK